The following is an entry in ClinVar:

ClinVar aggregate classification (germline): Uncertain significance (1 of 4 stars; one submission).

Submission:

Labcorp Genetics (formerly Invitae), Labcorp
Classification: Uncertain significance. Last evaluated: 2018-05-30. Review status: criteria provided, single submitter. Criteria: Invitae Variant Classification Sherloc (09022015). Collection method: clinical testing. Allele origin: germline.
Comment: This sequence change replaces serine with tyrosine at codon 224 of the MESP2 protein (p.Ser224Tyr). The serine residue is weakly conserved and there is a large physicochemical difference between serine and tyrosine. This variant is not present in population databases (ExAC no frequency). This variant has not been reported in the literature in individuals with MESP2-related disease. Algorithms developed to predict the effect of missense changes on protein structure and function are either unavailable or do not agree on the potential impact of this missense change (SIFT: "Deleterious"; PolyPhen-2: "Benign"; Align-GVGD: "Class C25"). In summary, the available evidence is currently insufficient to determine the role of this variant in disease. Therefore, it has been classified as a Variant of Uncertain Significance.

NM_001039958.2(MESP2):c.671C>A (p.Ser224Tyr)

Gene: MESP2 (mesoderm posterior bHLH transcription factor 2; plus strand). Cytogenetic location: 15q26.1.
Variant type: single nucleotide variant.
Coding change: c.671C>A on transcript NM_001039958.2 (MANE Select); coding-DNA position 671, C replaced by A.
Protein change: p.Ser224Tyr; replaces serine 224 with tyrosine.
Molecular consequence: missense variant.
Genome position (GRCh38, 1-based): chr15:89,777,028, C>A. VCF-style: chr15-89777028-C-A. GRCh37 (hg19) VCF-style: chr15-90320259-C-A.
Other names: short protein forms S224Y.
Identifiers: ClinVar variation 2068256 (VCV002068256.1), dbSNP rs71647807, ClinGen allele CA393773106.
Genomic context (GRCh38, chr15:89,777,028, plus strand): 5'-AGGGGCGCAGGCCGGGCCTGGTCTCCGCCGTCCTCGCCGAGGCGTCCTGGGGATCCCCGT[C>A]CGCCTGCCCCGGAGCCCAAGCCGCACCCGAGCGCCTGGGGAGGGGGGTCCACGACACGGA-3'
Protein context (NP_001035047.1, residues 214-234): VLAEASWGSP[Ser224Tyr]ACPGAQAAPE